The following is an entry in ClinVar:

ClinVar aggregate classification (germline): Uncertain significance (1 of 4 stars; one submission).

Conditions:
PKHD1-related disorder. Also called: PKHD1-related condition.

gnomAD v4.1: 6 of 1,610,464 alleles (0.00037%); highest among the groups gnomAD compares: Non-Finnish European, 0.00051%; no homozygotes.

Submission:

PreventionGenetics, part of Exact Sciences
Classification: Uncertain significance for PKHD1-related condition. Last evaluated: 2026-08-18. Review status: criteria provided, single submitter. Criteria: ACMG Guidelines, 2015. Collection method: clinical testing. Allele origin: germline.
Comment: The PKHD1 c.6748T>G variant is predicted to result in the amino acid substitution p.Leu2250Val. To our knowledge, this variant has not been reported in the literature or in a large population database (gnomAD), indicating this variant is rare. At this time, the clinical significance of this variant is uncertain due to the absence of conclusive functional and genetic evidence.

NM_138694.4(PKHD1):c.6748T>G (p.Leu2250Val)

Gene: PKHD1 (PKHD1 ciliary IPT domain containing fibrocystin/polyductin; minus strand). Cytogenetic location: 6p12.2.
Variant type: single nucleotide variant.
Coding change: c.6748T>G on transcript NM_138694.4 (MANE Select); coding-DNA position 6748, T replaced by G.
Protein change: p.Leu2250Val; replaces leucine 2250 with valine.
Molecular consequence: missense variant.
Genome position (GRCh38, 1-based): chr6:51,906,275, A>C on the plus strand (T>G on the coding strand, the complement: PKHD1 is on the minus strand). VCF-style: chr6-51906275-A-C. GRCh37 (hg19) VCF-style: chr6-51771073-A-C.
Other names: c.6748T>G, p.Leu2250Val (NM_170724.3); short protein forms L2250V.
Identifiers: ClinVar variation 4994713 (VCV004994713.1).